The following is an entry in ClinVar:

ClinVar aggregate classification (germline): Pathogenic/Likely pathogenic. Review status: criteria provided, multiple submitters, no conflicts (2 of 4 stars). 2 submissions from 2 submitters: Pathogenic (1); Likely pathogenic (1). Last evaluated 2022-11-08.

Conditions:
Type 2 diabetes mellitus. Also called: Type II diabetes mellitus. Identifiers: MedGen C0011860, MeSH D003924, MONDO:0005148, OMIM 125853, HP:0005978.

Submissions (2):

Baylor Genetics
Classification: Likely pathogenic for Type 2 diabetes mellitus. Last evaluated: 2022-11-08. Review status: criteria provided, single submitter. Criteria: ACMG Guidelines, 2015. Collection method: clinical testing. Allele origin: unknown.

Labcorp Genetics (formerly Invitae), Labcorp
Classification: Pathogenic. Last evaluated: 2022-04-30. Review status: criteria provided, single submitter. Criteria: Invitae Variant Classification Sherloc (09022015). Collection method: clinical testing. Allele origin: germline.
Comment: This sequence change creates a premature translational stop signal (p.Gln19Argfs*59) in the ABCC8 gene. It is expected to result in an absent or disrupted protein product. Loss-of-function variants in ABCC8 are known to be pathogenic (PMID: 20685672, 23345197). This variant is not present in population databases (gnomAD no frequency). This variant has not been reported in the literature in individuals affected with ABCC8-related conditions. For these reasons, this variant has been classified as Pathogenic.

Literature cited by the submitters: PubMed 20685672 (cited by Labcorp Genetics (formerly Invitae), Labcorp); PubMed 23345197 (cited by Labcorp Genetics (formerly Invitae), Labcorp).

NM_000352.6(ABCC8):c.56del (p.Gln19fs)

Gene: ABCC8 (ATP binding cassette subfamily C member 8; minus strand). Cytogenetic location: 11p15.1.
Variant type: Deletion.
Coding change: c.56del on transcript NM_000352.6 (MANE Select); coding-DNA position 56, one base deleted (A; older notation c.56delA).
Protein change: p.Gln19fs; shifts the reading frame from glutamine 19.
Molecular consequence: frameshift variant. On other transcripts: non-coding transcript variant (1).
Genome position (GRCh38, 1-based): chr11:17,476,721, T deleted on the plus strand (A on the coding strand, the reverse complement: ABCC8 is on the minus strand). VCF-style (leftmost placement, unchanged base first): chr11-17476720-CT-C. GRCh37 (hg19) VCF-style: chr11-17498267-CT-C.
Other names: c.56del, p.Gln19fs (NM_001287174.3, NM_001351295.2, NM_001351296.2 and 1 more transcripts); short protein forms Q19fs.
Identifiers: ClinVar variation 1396217 (VCV001396217.7), dbSNP rs2133738006, ClinGen allele CA2573146097.
Genomic context (GRCh38, chr11:17,476,720, plus strand): 5'-TAGGAAGACGTGCGGCACCACGTTGAGCGCGTCCACAAAGCAGCCGTTGTTGAGGACCCC[CT>C]GGTCCACCCGGTAGGCGGCCGAGTGGTTCTCGCTGCCGCAGAAGGCCAGGGGCATGGCGG-3'